The following is an entry in ClinVar:

NM_001378030.1(CCDC78):c.502G>C (p.Glu168Gln)

Gene: CCDC78 (coiled-coil domain containing 78; minus strand). Cytogenetic location: 16p13.3.
Variant type: single nucleotide variant.
Coding change: c.502G>C on transcript NM_001378030.1 (MANE Select); coding-DNA position 502, G replaced by C.
Protein change: p.Glu168Gln; replaces glutamic acid 168 with glutamine.
Molecular consequence: missense variant. On other transcripts: non-coding transcript variant (5).
Genome position (GRCh38, 1-based): chr16:725,136, C>G on the plus strand (G>C on the coding strand, the complement: CCDC78 is on the minus strand). VCF-style: chr16-725136-C-G. GRCh37 (hg19) VCF-style: chr16-775136-C-G.
Other names: c.502G>C, p.Glu168Gln (NM_001031737.3, NM_001378031.1); c.140G>C, p.Gly47Ala (NM_001378033.1); short protein forms E168Q, G47A.
Identifiers: ClinVar variation 1058570 (VCV001058570.9), dbSNP rs777794522, ClinGen allele CA7789550.

ClinVar aggregate classification (germline): Uncertain significance (1 of 4 stars; one submission).

Conditions:
Congenital myopathy with internal nuclei and atypical cores. Also called: Myopathy, centronuclear, 4. Identifiers: Orphanet 319160, MedGen C4707232, MONDO:0013890, OMIM 614807.

gnomAD v4.1: 5 of 1,612,804 alleles (0.00031%); highest among the groups gnomAD compares: South Asian, 0.0044%; no homozygotes.

Submission:

Labcorp Genetics (formerly Invitae), Labcorp
Classification: Uncertain significance for Congenital myopathy with internal nuclei and atypical cores. Last evaluated: 2022-08-10. Review status: criteria provided, single submitter. Criteria: Invitae Variant Classification Sherloc (09022015). Collection method: clinical testing. Allele origin: germline.
Comment: ClinVar contains an entry for this variant (Variation ID: 1058570). This variant has not been reported in the literature in individuals affected with CCDC78-related conditions. Algorithms developed to predict the effect of missense changes on protein structure and function output the following: SIFT: "Tolerated"; PolyPhen-2: "Benign"; Align-GVGD: "Class C0". The glutamine amino acid residue is found in multiple mammalian species, which suggests that this missense change does not adversely affect protein function. In summary, the available evidence is currently insufficient to determine the role of this variant in disease. Therefore, it has been classified as a Variant of Uncertain Significance. This sequence change replaces glutamic acid, which is acidic and polar, with glutamine, which is neutral and polar, at codon 168 of the CCDC78 protein (p.Glu168Gln). This variant is present in population databases (rs777794522, gnomAD 0.006%).